The following is an entry in ClinVar:

NM_017780.4(CHD7):c.2714T>C (p.Leu905Pro)

Gene: CHD7 (chromodomain helicase DNA binding protein 7; plus strand). Cytogenetic location: 8q12.2.
Variant type: single nucleotide variant.
Coding change: c.2714T>C on transcript NM_017780.4 (MANE Select); coding-DNA position 2714, T replaced by C.
Protein change: p.Leu905Pro; replaces leucine 905 with proline.
Molecular consequence: missense variant. On other transcripts: intron variant (1).
Genome position (GRCh38, 1-based): chr8:60,821,806, T>C. VCF-style: chr8-60821806-T-C. GRCh37 (hg19) VCF-style: chr8-61734365-T-C.
Other names: c.1717-40423T>C (NM_001316690.1); short protein forms L905P.
Identifiers: ClinVar variation 3647274 (VCV003647274.2).

ClinVar aggregate classification (germline): Uncertain significance (1 of 4 stars; one submission).

Conditions:
CHARGE syndrome (CHARGE). Also called: Hittner Hirsch Kreh syndrome; CHARGE ASSOCIATION--COLOBOMA, HEART ANOMALY, CHOANAL ATRESIA, RETARDATION, GENITAL AND EAR ANOMALIES; Coloboma, heart anomaly, choanal atresia, retardation, genital and ear anomalies; CHARGE association; Hall-Hittner syndrome. Identifiers: Orphanet 138, MedGen C0265354, MONDO:0008965.

Submission:

Labcorp Genetics (formerly Invitae), Labcorp
Classification: Uncertain significance for CHARGE syndrome. Last evaluated: 2024-03-21. Review status: criteria provided, single submitter. Criteria: Invitae Variant Classification Sherloc (09022015). Collection method: clinical testing. Allele origin: germline.
Comment: This sequence change replaces leucine, which is neutral and non-polar, with proline, which is neutral and non-polar, at codon 905 of the CHD7 protein (p.Leu905Pro). This variant is not present in population databases (gnomAD no frequency). This variant has not been reported in the literature in individuals affected with CHD7-related conditions. Advanced modeling of protein sequence and biophysical properties (such as structural, functional, and spatial information, amino acid conservation, physicochemical variation, residue mobility, and thermodynamic stability) performed at Invitae indicates that this missense variant is expected to disrupt CHD7 protein function with a positive predictive value of 95%. In summary, the available evidence is currently insufficient to determine the role of this variant in disease. Therefore, it has been classified as a Variant of Uncertain Significance.